The following is an entry in ClinVar:

NM_006393.3(NEBL):c.2534G>C (p.Arg845Pro)

Gene: NEBL (nebulette; minus strand). Cytogenetic location: 10p12.31.
Variant type: single nucleotide variant.
Coding change: c.2534G>C on transcript NM_006393.3 (MANE Select); coding-DNA position 2534, G replaced by C.
Protein change: p.Arg845Pro; replaces arginine 845 with proline.
Molecular consequence: missense variant. On other transcripts: intron variant (8).
Genome position (GRCh38, 1-based): chr10:20,809,883, C>G on the plus strand (G>C on the coding strand, the complement: NEBL is on the minus strand). VCF-style: chr10-20809883-C-G. GRCh37 (hg19) VCF-style: chr10-21098812-C-G.
Other names: c.545G>C, p.Arg182Pro (NM_001377322.1); c.421+2886G>C (NM_001377326.1, NM_001377327.1, NM_001377328.1); c.529+2886G>C (NM_213569.2, NM_001173484.2); c.472+2886G>C (NM_001377324.1); c.463+2886G>C (NM_001377325.1); c.481+2886G>C (NM_001377323.1); short protein forms R845P, R182P.
Identifiers: ClinVar variation 3712573 (VCV003712573.2).

ClinVar aggregate classification (germline): Uncertain significance (1 of 4 stars; one submission).

Conditions:
Primary dilated cardiomyopathy (DCM). Also called: Dilated Cardiomyopathy. Identifiers: Orphanet 217604, MedGen C0007193, MeSH D002311, MONDO:0005021, HP:0001644. Inheritance: Various modes of inheritance.

gnomAD v4.1: 15 of 1,610,602 alleles (0.00093%); highest among the groups gnomAD compares: South Asian, 0.016%; no homozygotes.

Submission:

Labcorp Genetics (formerly Invitae), Labcorp
Classification: Uncertain significance for Primary dilated cardiomyopathy. Last evaluated: 2025-01-27. Review status: criteria provided, single submitter. Criteria: Invitae Variant Classification Sherloc (09022015). Collection method: clinical testing. Allele origin: germline.
Comment: This sequence change replaces arginine, which is basic and polar, with proline, which is neutral and non-polar, at codon 845 of the NEBL protein (p.Arg845Pro). This variant is present in population databases (rs761052528, gnomAD 0.02%). This variant has not been reported in the literature in individuals affected with NEBL-related conditions. An algorithm developed to predict the effect of missense changes on protein structure and function (PolyPhen-2) suggests that this variant is likely to be disruptive. Algorithms developed to predict the effect of sequence changes on RNA splicing suggest that this variant may disrupt the consensus splice site. In summary, the available evidence is currently insufficient to determine the role of this variant in disease. Therefore, it has been classified as a Variant of Uncertain Significance.